The following is an entry in ClinVar:

ClinVar aggregate classification (germline): Uncertain significance. Review status: criteria provided, multiple submitters, no conflicts (2 of 4 stars). 2 submissions from 2 submitters: Uncertain significance (2). Last evaluated 2024-10-22.

Conditions:
Inborn genetic diseases. Identifiers: MedGen C0950123, MeSH D030342.

Allele frequency attached by ClinVar (database versions not stated): gnomAD 0.00001; ExAC 0.00003; gnomAD exomes 0.00003; TOPMed 0.00003.

Submissions (2):

Labcorp Genetics (formerly Invitae), Labcorp
Classification: Uncertain significance. Last evaluated: 2024-10-22. Review status: criteria provided, single submitter. Criteria: Invitae Variant Classification Sherloc (09022015). Collection method: clinical testing. Allele origin: germline.
Comment: This sequence change replaces arginine, which is basic and polar, with histidine, which is basic and polar, at codon 701 of the TNFAIP3 protein (p.Arg701His). This variant is present in population databases (rs775745583, gnomAD 0.01%). This variant has not been reported in the literature in individuals affected with TNFAIP3-related conditions. An algorithm developed to predict the effect of missense changes on protein structure and function outputs the following: PolyPhen-2: "Benign". The histidine amino acid residue is found in multiple mammalian species, which suggests that this missense change does not adversely affect protein function. In summary, the available evidence is currently insufficient to determine the role of this variant in disease. Therefore, it has been classified as a Variant of Uncertain Significance.

Ambry Genetics
Classification: Uncertain significance for Inborn genetic diseases. Last evaluated: 2024-08-19. Review status: criteria provided, single submitter. Criteria: Ambry Variant Classification Scheme 2023. Collection method: clinical testing. Allele origin: germline.

NM_001270508.2(TNFAIP3):c.2102G>A (p.Arg701His)

Gene: TNFAIP3 (TNF alpha induced protein 3; plus strand). Cytogenetic location: 6q23.3.
Variant type: single nucleotide variant.
Coding change: c.2102G>A on transcript NM_001270508.2 (MANE Select); coding-DNA position 2102, G replaced by A.
Protein change: p.Arg701His; replaces arginine 701 with histidine.
Molecular consequence: missense variant.
Genome position (GRCh38, 1-based): chr6:137,881,048, G>A. VCF-style: chr6-137881048-G-A. GRCh37 (hg19) VCF-style: chr6-138202185-G-A.
Other names: c.2102G>A (NM_006290.2); c.2102G>A, p.Arg701His (NM_001270507.2, NM_006290.4); short protein forms R701H.
Identifiers: ClinVar variation 2866499 (VCV002866499.4), dbSNP rs775745583, ClinGen allele CA4019801.